The following is an entry in ClinVar:

ClinVar aggregate classification (germline): Uncertain significance (1 of 4 stars; one submission).

gnomAD v4.1: 2 of 1,614,150 alleles (0.00012%); highest among the groups gnomAD compares: East Asian, 0.0022%; no homozygotes.

Submission:

GeneDx
Classification: Uncertain significance. Last evaluated: 2023-06-20. Review status: criteria provided, single submitter. Criteria: GeneDx Variant Classification Process June 2021. Collection method: clinical testing. Allele origin: germline. Affected: yes.
Comment: Not observed at significant frequency in large population cohorts (gnomAD); In silico analysis supports that this missense variant does not alter protein structure/function; Has not been previously published as pathogenic or benign to our knowledge

NM_002775.5(HTRA1):c.506A>T (p.Tyr169Phe)

Gene: HTRA1 (HtrA serine peptidase 1; plus strand). Cytogenetic location: 10q26.13.
Variant type: single nucleotide variant.
Coding change: c.506A>T on transcript NM_002775.5 (MANE Select); coding-DNA position 506, A replaced by T.
Protein change: p.Tyr169Phe; replaces tyrosine 169 with phenylalanine.
Molecular consequence: missense variant.
Genome position (GRCh38, 1-based): chr10:122,488,935, A>T. VCF-style: chr10-122488935-A-T. GRCh37 (hg19) VCF-style: chr10-124248451-A-T.
Other names: short protein forms Y169F.
Identifiers: ClinVar variation 3359997 (VCV003359997.1).